The following is an entry in ClinVar:

NM_018833.3(TAP2):c.1933-5dup

Gene: TAP2 (transporter 2, ATP binding cassette subfamily B member; minus strand). Cytogenetic location: 6p21.32.
Variant type: Duplication.
Coding change: c.1933-5dup on transcript NM_018833.3; 5 bases into the intron before coding-DNA position 1933, one base duplicated (T; older notation c.1933-5dupT).
Molecular consequence: intron variant.
Genome position (GRCh38, 1-based): chr6:32,822,323, A duplicated on the plus strand (T on the coding strand, the reverse complement: TAP2 is on the minus strand); the first of 10 consecutive A bases (chr6:32,822,323-32,822,332); duplicating any one gives the same sequence. VCF-style (leftmost placement, unchanged base first): chr6-32822322-G-GA. GRCh37 (hg19) VCF-style: chr6-32790099-G-GA.
Other names: c.1933-5dupT (NM_018833.2).
Identifiers: ClinVar variation 403508 (VCV000403508.7), dbSNP rs61021012, ClinGen allele CA3745704.

ClinVar aggregate classification (germline): Benign/Likely benign. Review status: criteria provided, multiple submitters, no conflicts (2 of 4 stars). 2 submissions from 2 submitters: Benign (1); Likely benign (1). Last evaluated 2024-11-27.

Submissions (2):

Blueprint Genetics
Classification: Likely benign. Last evaluated: 2024-11-27. Review status: criteria provided, single submitter. Criteria: ACMG Guidelines, 2015. Collection method: clinical testing. Allele origin: germline.

Laboratory for Molecular Medicine, Mass General Brigham Personalized Medicine
Classification: Benign. Last evaluated: 2016-03-28. Review status: criteria provided, single submitter. Criteria: LMM Criteria. Collection method: clinical testing. Allele origin: germline.
Comment: Variant identified in a genome or exome case(s) and assessed due to predicted null impact of the variant or pathogenic assertions in the literature or databases. Disclaimer: This variant has not undergone full assessment. The following are preliminary notes: Frequency